The following is an entry in ClinVar:

ClinVar aggregate classification (germline): Uncertain significance (1 of 4 stars; one submission).

Conditions:
Familial adenomatous polyposis 1 (FAP1). Also called: POLYPOSIS, ADENOMATOUS INTESTINAL; FAMILIAL ADENOMATOUS POLYPOSIS 1, ATTENUATED. Identifiers: MedGen C2713442, MONDO:0021056, OMIM 175100. Disease mechanism: loss of function.

Submission:

Labcorp Genetics (formerly Invitae), Labcorp
Classification: Uncertain significance for Familial adenomatous polyposis 1. Last evaluated: 2022-10-07. Review status: criteria provided, single submitter. Criteria: Invitae Variant Classification Sherloc (09022015). Collection method: clinical testing. Allele origin: germline.
Comment: This variant, c.3721_3723del, results in the deletion of 1 amino acid(s) of the APC protein (p.Gly1241del), but otherwise preserves the integrity of the reading frame. This variant is not present in population databases (gnomAD no frequency). This variant has not been reported in the literature in individuals affected with APC-related conditions. Experimental studies and prediction algorithms are not available or were not evaluated, and the functional significance of this variant is currently unknown. In summary, the available evidence is currently insufficient to determine the role of this variant in disease. Therefore, it has been classified as a Variant of Uncertain Significance.

NM_000038.6(APC):c.3721_3723del (p.Gly1241del)

Gene: APC (APC regulator of Wnt signaling pathway; plus strand). Cytogenetic location: 5q22.2.
Variant type: Deletion.
Coding change: c.3721_3723del on transcript NM_000038.6 (MANE Select); coding-DNA positions 3721 to 3723, 3 bases deleted (GGT; older notation c.3721_3723delGGT).
Protein change: p.Gly1241del; deletes glycine 1241.
Molecular consequence: inframe deletion. On other transcripts: inframe indel (20).
Genome position (GRCh38, 1-based): chr5:112,839,315-112,839,317, GGT deleted; deleting any 3 consecutive bases within chr5:112,839,313-112,839,317 gives the same sequence; the c. name uses the placement nearest the transcript's 3' end. VCF-style (leftmost placement, unchanged base first): chr5-112839312-AGTG-A. GRCh37 (hg19) VCF-style: chr5-112175009-AGTG-A.
Other names: c.3721_3723del, p.Gly1241del (NM_001127510.3, NM_001354895.2); c.3667_3669del, p.Gly1223del (NM_001127511.3); c.3775_3777del, p.Gly1259del (NM_001354896.2); c.3751_3753del, p.Gly1251del (NM_001354897.2); c.3646_3648del, p.Gly1216del (NM_001354898.2); c.3637_3639del, p.Gly1213del (NM_001354899.2); c.3598_3600del, p.Gly1200del (NM_001354900.2); c.3544_3546del, p.Gly1182del (NM_001354901.2); and 16 more; short protein forms G1081del, G1115del, G1150del, G1241del, G1251del, G1112del, G1158del, G1200del.
Identifiers: ClinVar variation 1983728 (VCV001983728.4), dbSNP rs2533519064, ClinGen allele CA2580072975.